The following is an entry in ClinVar:

NM_000059.4(BRCA2):c.788G>C (p.Ser263Thr)

Gene: BRCA2 (BRCA2 DNA repair associated; plus strand). Cytogenetic location: 13q13.1.
Variant type: single nucleotide variant.
Coding change: c.788G>C on transcript NM_000059.4 (MANE Select); coding-DNA position 788, G replaced by C.
Protein change: p.Ser263Thr; replaces serine 263 with threonine.
Molecular consequence: missense variant.
Genome position (GRCh38, 1-based): chr13:32,331,025, G>C. VCF-style: chr13-32331025-G-C. GRCh37 (hg19) VCF-style: chr13-32905162-G-C.
Other names: short protein forms S263T.
Identifiers: ClinVar variation 483116 (VCV000483116.63), dbSNP rs1555281480, ClinGen allele CA387760245.

ClinVar aggregate classification (germline): Uncertain significance. Review status: criteria provided, multiple submitters, no conflicts (2 of 4 stars). 4 submissions from 4 submitters: Uncertain significance (4). Last evaluated 2025-11-20.

Conditions:
Hereditary breast ovarian cancer syndrome. Also called: Hereditary breast and ovarian cancer syndrome; Hereditary breast and ovarian cancer; Hereditary breast and ovarian cancer syndrome (HBOC); Breast and ovarian cancer; Hereditary breast and/or ovarian cancer syndrome; BRCA1- and BRCA2-Associated Hereditary Breast and Ovarian Cancer. Identifiers: Orphanet 145, MedGen C0677776, MeSH D061325, MONDO:0003582. Disease mechanism: loss of function.
Hereditary cancer-predisposing syndrome. Also called: Neoplastic Syndromes, Hereditary; Tumor predisposition; Hereditary Cancer Syndrome; Hereditary neoplastic syndrome. Identifiers: Orphanet 140162, MedGen C0027672, MeSH D009386, MONDO:0015356.

Allele frequency attached by ClinVar (database versions not stated): gnomAD 0.00001.

Submissions (4):

Labcorp Genetics (formerly Invitae), Labcorp
Classification: Uncertain significance for Hereditary breast ovarian cancer syndrome. Last evaluated: 2025-11-20. Review status: criteria provided, single submitter. Criteria: Invitae Variant Classification Sherloc (09022015). Collection method: clinical testing. Allele origin: germline.
Comment: This sequence change replaces serine, which is neutral and polar, with threonine, which is neutral and polar, at codon 263 of the BRCA2 protein (p.Ser263Thr). This variant is not present in population databases (gnomAD no frequency). This variant has not been reported in the literature in individuals affected with BRCA2-related conditions. ClinVar contains an entry for this variant (Variation ID: 483116). Invitae Evidence Modeling of protein sequence and biophysical properties (such as structural, functional, and spatial information, amino acid conservation, physicochemical variation, residue mobility, and thermodynamic stability) indicates that this missense variant is not expected to disrupt BRCA2 protein function with a negative predictive value of 95%. In summary, the available evidence is currently insufficient to determine the role of this variant in disease. Therefore, it has been classified as a Variant of Uncertain Significance.

Color Diagnostics, LLC DBA Color Health
Classification: Uncertain significance for Hereditary cancer-predisposing syndrome. Last evaluated: 2023-12-05. Review status: criteria provided, single submitter. Criteria: ACMG Guidelines, 2015. Collection method: clinical testing. Allele origin: germline.
Comment: This missense variant replaces serine with threonine at codon 263 of the BRCA2 protein. Computational prediction suggests that this variant may not impact protein structure and function (internally defined REVEL score threshold <= 0.5, PMID: 27666373). To our knowledge, functional studies have not been reported for this variant. This variant has not been reported in individuals affected with BRCA2-related disorders in the literature. This variant has not been identified in the general population by the Genome Aggregation Database (gnomAD). The available evidence is insufficient to determine the role of this variant in disease conclusively. Therefore, this variant is classified as a Variant of Uncertain Significance.

Ambry Genetics
Classification: Uncertain significance for Hereditary cancer-predisposing syndrome. Last evaluated: 2019-12-03. Review status: criteria provided, single submitter. Criteria: Ambry Variant Classification Scheme 2023. Collection method: clinical testing. Allele origin: germline.
Comment: The p.S263T variant (also known as c.788G>C), located in coding exon 8 of the BRCA2 gene, results from a G to C substitution at nucleotide position 788. The serine at codon 263 is replaced by threonine, an amino acid with similar properties. This amino acid position is not well conserved in available vertebrate species. In addition, this alteration is predicted to be tolerated by in silico analysis. Since supporting evidence is limited at this time, the clinical significance of this alteration remains unclear.

ARUP Laboratories, Molecular Genetics and Genomics, ARUP Laboratories
Classification: Uncertain significance. Last evaluated: 2019-11-15. Review status: criteria provided, single submitter. Criteria: ARUP Molecular Germline Variant Investigation Process. Collection method: clinical testing. Allele origin: germline.
Comment: The BRCA2 c.788G>C; p.Ser263Thr variant, to our knowledge, is not reported in the medical literature but is reported in ClinVar (Variation ID: 483116). This variant is absent from general population databases (Exome Variant Server, Genome Aggregation Database), indicating it is not a common polymorphism. The serine at codon 263 is moderately conserved, and computational analyses (SIFT, PolyPhen-2) predict that this variant is tolerated. Due to limited information, the clinical significance of the p.Ser263Thr variant is uncertain at this time.